The following is an entry in ClinVar:

NM_015102.5(NPHP4):c.686G>A (p.Arg229Gln)

Gene: NPHP4 (nephrocystin 4; minus strand). Cytogenetic location: 1p36.31.
Variant type: single nucleotide variant.
Coding change: c.686G>A on transcript NM_015102.5 (MANE Select); coding-DNA position 686, G replaced by A.
Protein change: p.Arg229Gln; replaces arginine 229 with glutamine.
Molecular consequence: missense variant. On other transcripts: 5 prime UTR variant (1), non-coding transcript variant (1), intron variant (1).
Genome position (GRCh38, 1-based): chr1:5,952,824, C>T on the plus strand (G>A on the coding strand, the complement: NPHP4 is on the minus strand). VCF-style: chr1-5952824-C-T. GRCh37 (hg19) VCF-style: chr1-6012884-C-T.
Other names: c.-681G>A (NM_001291594.2); c.-556-4573G>A (NM_001291593.2); short protein forms R229Q.
Identifiers: ClinVar variation 942493 (VCV000942493.9), dbSNP rs756137436, ClinGen allele CA554751.
Genomic context (GRCh38, chr1:5,952,824, plus strand): 5'-TACAGGGTGAAGAATAAGTCATCCAAGTGCCCCGTGATGGGCTTCTGGAGGCGAGGCTTT[C>T]GGAGAGCGTCGCCTGAAACAGTGAGGGTGCGAAAAGGGTCATCCTTGGGAATAAAACACC-3'
Protein context (NP_055917.1, residues 219-239): PAHGESGDAL[Arg229Gln]KPRLQKPITG

ClinVar aggregate classification (germline): Uncertain significance (1 of 4 stars; one submission).

Conditions:
Nephronophthisis. Also called: Juvenile Nephronophthisis. Identifiers: Orphanet 655, MedGen C0687120, MONDO:0019005, HP:0000090.

Allele frequency attached by ClinVar (database versions not stated): ExAC below 0.00001; gnomAD exomes below 0.00001.
gnomAD v4.1: 5 of 1,600,316 alleles (0.00031%); highest among the groups gnomAD compares: East Asian, 0.0068%; no homozygotes.

Submission:

Labcorp Genetics (formerly Invitae), Labcorp
Classification: Uncertain significance for Nephronophthisis. Last evaluated: 2024-10-15. Review status: criteria provided, single submitter. Criteria: Invitae Variant Classification Sherloc (09022015). Collection method: clinical testing. Allele origin: germline.
Comment: This sequence change replaces arginine, which is basic and polar, with glutamine, which is neutral and polar, at codon 229 of the NPHP4 protein (p.Arg229Gln). This variant is not present in population databases (gnomAD no frequency). This variant has not been reported in the literature in individuals affected with NPHP4-related conditions. ClinVar contains an entry for this variant (Variation ID: 942493). Invitae Evidence Modeling of protein sequence and biophysical properties (such as structural, functional, and spatial information, amino acid conservation, physicochemical variation, residue mobility, and thermodynamic stability) indicates that this missense variant is not expected to disrupt NPHP4 protein function with a negative predictive value of 80%. In summary, the available evidence is currently insufficient to determine the role of this variant in disease. Therefore, it has been classified as a Variant of Uncertain Significance.